The following is an entry in ClinVar:

ClinVar aggregate classification (germline): Uncertain significance (1 of 4 stars; one submission).

Submission:

Ambry Genetics
Classification: Uncertain significance. Last evaluated: 2026-09-06. Review status: criteria provided, single submitter. Criteria: Ambry Variant Classification Scheme 2023. Collection method: clinical testing. Allele origin: germline.
Comment: The p.L610M variant (also known as c.1828C>A), located in coding exon 7 of the WNK2 gene, results from a C to A substitution at nucleotide position 1828. The leucine at codon 610 is replaced by methionine, an amino acid with highly similar properties. This amino acid position is conserved. In addition, this alteration is predicted to be tolerated by in silico analysis. Based on the available evidence, the clinical significance of this variant remains unclear.

NM_006648.4(WNK2):c.1828C>A (p.Leu610Met)

Gene: WNK2 (WNK lysine deficient protein kinase 2; plus strand). Cytogenetic location: 9q22.31.
Variant type: single nucleotide variant.
Coding change: c.1828C>A on transcript NM_006648.4 (MANE Select); coding-DNA position 1828, C replaced by A.
Protein change: p.Leu610Met; replaces leucine 610 with methionine.
Molecular consequence: missense variant.
Genome position (GRCh38, 1-based): chr9:93,247,828, C>A. VCF-style: chr9-93247828-C-A. GRCh37 (hg19) VCF-style: chr9-96010110-C-A.
Other names: c.1828C>A, p.Leu610Met (NM_001282394.3); short protein forms L610M.
Identifiers: ClinVar variation 5031975 (VCV005031975.1).